The following is an entry in ClinVar:

ClinVar aggregate classification (germline): Uncertain significance (1 of 4 stars; one submission).

Allele frequency attached by ClinVar (database versions not stated): TOPMed below 0.00001; gnomAD exomes 0.00001; ExAC 0.00002.
gnomAD v4.1: 8 of 1,614,064 alleles (0.0005%); highest among the groups gnomAD compares: South Asian, 0.0044%; no homozygotes.

Submission:

Labcorp Genetics (formerly Invitae), Labcorp
Classification: Uncertain significance. Last evaluated: 2022-08-12. Review status: criteria provided, single submitter. Criteria: Invitae Variant Classification Sherloc (09022015). Collection method: clinical testing. Allele origin: germline.
Comment: In summary, the available evidence is currently insufficient to determine the role of this variant in disease. Therefore, it has been classified as a Variant of Uncertain Significance. Algorithms developed to predict the effect of missense changes on protein structure and function are either unavailable or do not agree on the potential impact of this missense change (SIFT: "Deleterious"; PolyPhen-2: "Benign"; Align-GVGD: "Class C55"). This variant has not been reported in the literature in individuals affected with NBAS-related conditions. This variant is present in population databases (rs755655217, gnomAD 0.006%). This sequence change replaces alanine, which is neutral and non-polar, with valine, which is neutral and non-polar, at codon 1412 of the NBAS protein (p.Ala1412Val).

NM_015909.4(NBAS):c.4235C>T (p.Ala1412Val)

Gene: NBAS (NBAS subunit of NRZ tethering complex; minus strand). Cytogenetic location: 2p24.3.
Variant type: single nucleotide variant.
Coding change: c.4235C>T on transcript NM_015909.4 (MANE Select); coding-DNA position 4235, C replaced by T.
Protein change: p.Ala1412Val; replaces alanine 1412 with valine.
Molecular consequence: missense variant. On other transcripts: non-coding transcript variant (1).
Genome position (GRCh38, 1-based): chr2:15,330,710, G>A on the plus strand (C>T on the coding strand, the complement: NBAS is on the minus strand). VCF-style: chr2-15330710-G-A. GRCh37 (hg19) VCF-style: chr2-15470834-G-A.
Other names: short protein forms A1412V.
Identifiers: ClinVar variation 1931281 (VCV001931281.5), dbSNP rs755655217, ClinGen allele CA1535729.